The following is an entry in ClinVar:

NM_001369.3(DNAH5):c.9149del (p.Ser3050fs)

Gene: DNAH5 (dynein axonemal heavy chain 5; minus strand). Cytogenetic location: 5p15.2.
Variant type: Deletion.
Coding change: c.9149del on transcript NM_001369.3 (MANE Select); coding-DNA position 9149, one base deleted (G; older notation c.9149delG).
Protein change: p.Ser3050fs; shifts the reading frame from serine 3050.
Molecular consequence: frameshift variant.
Genome position (GRCh38, 1-based): chr5:13,776,663, C deleted on the plus strand (G on the coding strand, the reverse complement: DNAH5 is on the minus strand). VCF-style (leftmost placement, unchanged base first): chr5-13776662-GC-G. GRCh37 (hg19) VCF-style: chr5-13776771-GC-G.
Other names: short protein forms S3050fs.
Identifiers: ClinVar variation 4761753 (VCV004761753.1).

ClinVar aggregate classification (germline): Pathogenic (1 of 4 stars; one submission).

Conditions:
Primary ciliary dyskinesia. Also called: Ciliary dyskinesia. Identifiers: Orphanet 244, MedGen C0008780, MONDO:0016575, HP:0012265.

Submission:

Labcorp Genetics (formerly Invitae), Labcorp
Classification: Pathogenic for Primary ciliary dyskinesia. Last evaluated: 2025-02-16. Review status: criteria provided, single submitter. Criteria: Invitae Variant Classification Sherloc (09022015). Collection method: clinical testing. Allele origin: germline.
Comment: This sequence change creates a premature translational stop signal (p.Ser3050Thrfs*7) in the DNAH5 gene. It is expected to result in an absent or disrupted protein product. Loss-of-function variants in DNAH5 are known to be pathogenic (PMID: 11788826, 16627867). This variant is not present in population databases (gnomAD no frequency). This variant has not been reported in the literature in individuals affected with DNAH5-related conditions. For these reasons, this variant has been classified as Pathogenic.

Literature cited by the submitters: PubMed 11788826; PubMed 16627867.